The following is an entry in ClinVar:

ClinVar aggregate classification (germline): Conflicting classifications of pathogenicity. Review status: criteria provided, conflicting classifications (1 of 4 stars). 2 submissions from 2 submitters: Uncertain significance (1); Likely benign (1). Last evaluated 2024-01-10.

Conditions:
Hereditary cancer-predisposing syndrome. Also called: Tumor predisposition; Hereditary Cancer Syndrome; Hereditary neoplastic syndrome; Neoplastic Syndromes, Hereditary. Identifiers: Orphanet 140162, MedGen C0027672, MeSH D009386, MONDO:0015356.
Hereditary breast ovarian cancer syndrome. Also called: Hereditary breast and ovarian cancer; BRCA1- and BRCA2-Associated Hereditary Breast and Ovarian Cancer; Hereditary breast and ovarian cancer syndrome; Hereditary breast and ovarian cancer syndrome (HBOC); Breast and ovarian cancer; Hereditary breast and/or ovarian cancer syndrome. Identifiers: Orphanet 145, MedGen C0677776, MeSH D061325, MONDO:0003582. Disease mechanism: loss of function.

Submissions (2):

Labcorp Genetics (formerly Invitae), Labcorp
Classification: Uncertain significance for Hereditary breast ovarian cancer syndrome. Last evaluated: 2024-01-10. Review status: criteria provided, single submitter. Criteria: Invitae Variant Classification Sherloc (09022015). Collection method: clinical testing. Allele origin: germline.
Comment: This sequence change replaces valine, which is neutral and non-polar, with phenylalanine, which is neutral and non-polar, at codon 1495 of the BRCA2 protein (p.Val1495Phe). This variant is not present in population databases (gnomAD no frequency). This variant has not been reported in the literature in individuals affected with BRCA2-related conditions. ClinVar contains an entry for this variant (Variation ID: 1480971). Advanced modeling of protein sequence and biophysical properties (such as structural, functional, and spatial information, amino acid conservation, physicochemical variation, residue mobility, and thermodynamic stability) performed at Invitae indicates that this missense variant is not expected to disrupt BRCA2 protein function with a negative predictive value of 95%. In summary, the available evidence is currently insufficient to determine the role of this variant in disease. Therefore, it has been classified as a Variant of Uncertain Significance.

University of Washington Department of Laboratory Medicine, University of Washington
Classification: Likely benign for Hereditary cancer-predisposing syndrome. Last evaluated: 2023-03-23. Review status: criteria provided, single submitter. Criteria: Dines et al. (Genet Med. 2020). Collection method: curation. Allele origin: germline.
Comment: Missense variant in a coldspot region where missense variants are very unlikely to be pathogenic (PMID:31911673).

BRCA2 exon 11 coldspot. Reclassification based on statistical prior probability.

NM_000059.4(BRCA2):c.4483G>T (p.Val1495Phe)

Gene: BRCA2 (BRCA2 DNA repair associated; plus strand). Cytogenetic location: 13q13.1.
Variant type: single nucleotide variant.
Coding change: c.4483G>T on transcript NM_000059.4 (MANE Select); coding-DNA position 4483, G replaced by T.
Protein change: p.Val1495Phe; replaces valine 1495 with phenylalanine.
Molecular consequence: missense variant.
Genome position (GRCh38, 1-based): chr13:32,338,838, G>T. VCF-style: chr13-32338838-G-T. GRCh37 (hg19) VCF-style: chr13-32912975-G-T.
Other names: short protein forms V1495F.
Identifiers: ClinVar variation 1480971 (VCV001480971.9), dbSNP rs80358680, ClinGen allele CA387781512.